The following is an entry in ClinVar:

ClinVar aggregate classification (germline): Uncertain significance. Review status: criteria provided, multiple submitters, no conflicts (2 of 4 stars). 2 submissions from 2 submitters: Uncertain significance (2). Last evaluated 2025-08-27.

Conditions:
Primary ciliary dyskinesia 19. Also called: CILIARY DYSKINESIA, PRIMARY, 19, WITH OR WITHOUT SITUS INVERSUS. Identifiers: Orphanet 244, MedGen C3543826, MONDO:0013979, OMIM 614935.
Primary ciliary dyskinesia. Also called: Ciliary dyskinesia. Identifiers: Orphanet 244, MedGen C0008780, MONDO:0016575, HP:0012265.

Allele frequency attached by ClinVar (database versions not stated): gnomAD exomes below 0.00001; TOPMed 0.00002; gnomAD 0.00003.
gnomAD v4.1: 9 of 1,613,762 alleles (0.00056%); highest among the groups gnomAD compares: African/African-American, 0.004%; no homozygotes.

Submissions (2):

Ambry Genetics
Classification: Uncertain significance for Primary ciliary dyskinesia. Last evaluated: 2025-08-27. Review status: criteria provided, single submitter. Criteria: Ambry Variant Classification Scheme 2023. Collection method: clinical testing. Allele origin: germline.

Labcorp Genetics (formerly Invitae), Labcorp
Classification: Uncertain significance for Primary ciliary dyskinesia 19. Last evaluated: 2021-08-28. Review status: criteria provided, single submitter. Criteria: Invitae Variant Classification Sherloc (09022015). Collection method: clinical testing. Allele origin: germline.
Comment: This sequence change replaces aspartic acid with asparagine at codon 361 of the LRRC6 protein (p.Asp361Asn). The aspartic acid residue is highly conserved and there is a small physicochemical difference between aspartic acid and asparagine. This variant is not present in population databases (ExAC no frequency). This variant has not been reported in the literature in individuals affected with LRRC6-related conditions. Algorithms developed to predict the effect of missense changes on protein structure and function are either unavailable or do not agree on the potential impact of this missense change (SIFT: "Deleterious"; PolyPhen-2: "Possibly Damaging"; Align-GVGD: "Class C0"). In summary, the available evidence is currently insufficient to determine the role of this variant in disease. Therefore, it has been classified as a Variant of Uncertain Significance.

NM_012472.6(DNAAF11):c.1081G>A (p.Asp361Asn)

Gene: DNAAF11 (dynein axonemal assembly factor 11; minus strand). Cytogenetic location: 8q24.22.
Variant type: single nucleotide variant.
Coding change: c.1081G>A on transcript NM_012472.6 (MANE Select); coding-DNA position 1081, G replaced by A.
Protein change: p.Asp361Asn; replaces aspartic acid 361 with asparagine.
Molecular consequence: missense variant. On other transcripts: non-coding transcript variant (10).
Genome position (GRCh38, 1-based): chr8:132,610,225, C>T on the plus strand (G>A on the coding strand, the complement: DNAAF11 is on the minus strand). VCF-style: chr8-132610225-C-T. GRCh37 (hg19) VCF-style: chr8-133622471-C-T.
Other names: c.1081G>A (NM_012472.3); c.1021G>A, p.Asp341Asn (NM_001321961.2); c.835G>A, p.Asp279Asn (NM_001321962.2); c.721G>A, p.Asp241Asn (NM_001321963.2, NM_001321964.2, NM_001321965.2); c.661G>A, p.Asp221Asn (NM_001321966.2); short protein forms D361N, D279N, D341N, D221N, D241N.
Identifiers: ClinVar variation 575268 (VCV000575268.7), dbSNP rs1365254688, ClinGen allele CA372293243.